The following is an entry in ClinVar:

ClinVar aggregate classification (germline): Benign. Review status: criteria provided, single submitter (1 of 4 stars). 4 submissions from 4 submitters: Benign (1). 3 of the submissions do not count toward it. Last evaluated 2026-01-05.

Conditions:
PRDM13-related disorder. Also called: PRDM13-related condition.

Allele frequency attached by ClinVar (database versions not stated): gnomAD exomes 0.00027 and 0.00187; gnomAD 0.00066 and 0.00082; TOPMed 0.00082; 1000 Genomes Project 0.00379; ExAC 0.00394; 1000 Genomes Project 30x 0.00484.

Submissions (4):

Labcorp Genetics (formerly Invitae), Labcorp
Classification: Benign. Last evaluated: 2026-01-05. Review status: criteria provided, single submitter. Criteria: Invitae Variant Classification Sherloc (09022015). Collection method: clinical testing. Allele origin: germline.

PreventionGenetics, part of Exact Sciences
Classification: Benign for PRDM13-related condition. Last evaluated: 2019-07-04. Review status: no assertion criteria provided. Collection method: clinical testing. Allele origin: germline. Not counted in ClinVar's aggregate classification.
Comment: This variant is classified as benign based on ACMG/AMP sequence variant interpretation guidelines (Richards et al. 2015 PMID: 25741868, with internal and published modifications).

Clinical Genetics DNA and cytogenetics Diagnostics Lab, Erasmus MC, Erasmus Medical Center
Classification: Benign. Review status: no assertion criteria provided. Collection method: clinical testing. Allele origin: germline. Affected: yes. Study: VKGL Data-share Consensus. Not counted in ClinVar's aggregate classification.

Clinical Genetics, Academic Medical Center
Classification: Likely benign. Review status: no assertion criteria provided. Collection method: clinical testing. Allele origin: germline. Affected: yes. Study: VKGL Data-share Consensus. Not counted in ClinVar's aggregate classification.

NM_021620.4(PRDM13):c.864C>T (p.Tyr288=)

Gene: PRDM13 (PR/SET domain 13; plus strand). Cytogenetic location: 6q16.2.
Variant type: single nucleotide variant.
Coding change: c.864C>T on transcript NM_021620.4 (MANE Select); coding-DNA position 864, C replaced by T.
Protein change: p.Tyr288=; no amino-acid change (tyrosine 288 retained).
Molecular consequence: synonymous variant.
Genome position (GRCh38, 1-based): chr6:99,613,499, C>T. VCF-style: chr6-99613499-C-T. GRCh37 (hg19) VCF-style: chr6-100061375-C-T.
Other names: c.864C>T (NM_021620.3).
Identifiers: ClinVar variation 1164417 (VCV001164417.14), dbSNP rs372336420, ClinGen allele CA3936288.